The following is an entry in ClinVar:

ClinVar aggregate classification (germline): Likely benign (1 of 4 stars; one submission).

Submission:

CeGaT Center for Human Genetics Tuebingen
Classification: Likely benign. Last evaluated: 2025-04-01. Review status: criteria provided, single submitter. Criteria: CeGaT Center For Human Genetics Tuebingen Variant Classification Criteria Version 2. Collection method: clinical testing. Allele origin: germline. Affected: yes. Observed: 1 variant allele.
Comment: HLA-DQA1: BP4, BP7

NM_002122.5(HLA-DQA1):c.294C>T (p.Ile98=)

Gene: HLA-DQA1 (major histocompatibility complex, class II, DQ alpha 1; plus strand). Cytogenetic location: 6p21.32.
Variant type: single nucleotide variant.
Coding change: c.294C>T on transcript NM_002122.5 (MANE Select); coding-DNA position 294, C replaced by T.
Protein change: p.Ile98=; no amino-acid change (isoleucine 98 retained).
Molecular consequence: synonymous variant.
Genome position (GRCh38, 1-based): chr6:32,641,521, C>T. VCF-style: chr6-32641521-C-T. GRCh37 (hg19) VCF-style: chr6-32609298-C-T.
Identifiers: ClinVar variation 3898072 (VCV003898072.7).
Genomic context (GRCh38, chr6:32,641,521, plus strand): 5'-AGGTTTTGACCCGCAGGGTGCACTGAGAAACATGGCTGTGGCAAAACACAACTTGAACAT[C>T]ATGATTAAACGCTACAACTCTACCGCTGCTACCAATGGTATGCGTCCACCATTCTGCCTC-3'
Protein context (NP_002113.2, residues 88-108): NMAVAKHNLN[Ile98=]MIKRYNSTAA